The following is an entry in ClinVar:

ClinVar aggregate classification (germline): Benign/Likely benign. Review status: criteria provided, multiple submitters, no conflicts (2 of 4 stars). 7 submissions from 7 submitters: Benign (3); Likely benign (4). Last evaluated 2025-09-05.

Conditions:
Atrial fibrillation, familial, 7 (ATFB7). Identifiers: MedGen C2677106, MONDO:0012828, OMIM 612240.

Allele frequency attached by ClinVar (database versions not stated): gnomAD exomes 0.00087 and 0.00131; ExAC 0.00151; 1000 Genomes Project 0.00379; 1000 Genomes Project 30x 0.00406; gnomAD 0.00412 and 0.00450; TOPMed 0.00465; ESP Exome Variant Server 0.00531.
gnomAD v4.1: 1,933 of 1,614,122 alleles (0.12%); highest among the groups gnomAD compares: African/African-American, 1.4%; 10 homozygotes.

Submissions (7):

Women's Health and Genetics/Laboratory Corporation of America, LabCorp
Classification: Likely benign. Last evaluated: 2025-09-05. Review status: criteria provided, single submitter. Criteria: LabCorp Variant Classification Summary - May 2015. Collection method: clinical testing. Allele origin: germline.

Blueprint Genetics
Classification: Likely benign. Last evaluated: 2024-11-07. Review status: criteria provided, single submitter. Criteria: ACMG Guidelines, 2015. Collection method: clinical testing. Allele origin: germline.

GeneDx
Classification: Benign. Last evaluated: 2020-10-19. Review status: criteria provided, single submitter. Criteria: GeneDx Variant Classification Process June 2021. Collection method: clinical testing. Allele origin: germline. Affected: yes.

Labcorp Genetics (formerly Invitae), Labcorp
Classification: Benign for Atrial fibrillation, familial, 7. Last evaluated: 2019-12-31. Review status: criteria provided, single submitter. Criteria: Invitae Variant Classification Sherloc (09022015). Collection method: clinical testing. Allele origin: germline.

Illumina Laboratory Services, Illumina
Classification: Likely benign for Atrial fibrillation, familial, 7. Last evaluated: 2018-01-13. Review status: criteria provided, single submitter. Criteria: ICSL Variant Classification Criteria 13 December 2019. Collection method: clinical testing. Allele origin: germline.
Comment: This variant was observed in the ICSL laboratory as part of a predisposition screen in an ostensibly healthy population. It had not been previously curated by ICSL or reported in the Human Gene Mutation Database (HGMD: prior to June 1st, 2018), and was therefore a candidate for classification through an automated scoring system. Utilizing variant allele frequency, disease prevalence and penetrance estimates, and inheritance mode, an automated score was calculated to assess if this variant is too frequent to cause the disease. Based on the score and internal cut-off values, a variant classified as likely benign is not then subjected to further curation. The score for this variant resulted in a classification of likely benign for this disease.

Biesecker Lab/Clinical Genomics Section, National Institutes of Health
Classification: Benign. Last evaluated: 2013-06-24. Review status: criteria provided, single submitter. Criteria: Ng et al. (Circ Cardiovasc Genet. 2013). Collection method: research. Allele origin: unknown. Observed: 1 variant allele. Study: ClinSeq.
Comment: The study set was not selected for affection status in relation to any cancer. Pathogenicity categories were based on literature curation. See Pubmed ID:23861362 for details.

Medical sequencing

Breakthrough Genomics
Classification: Likely benign. Review status: criteria provided, single submitter. Criteria: ACMG Guidelines, 2015. Collection method: not provided. Allele origin: germline. Inheritance: Autosomal dominant inheritance. Affected: yes.

NM_002234.4(KCNA5):c.1150G>A (p.Gly384Arg)

Gene: KCNA5 (potassium voltage-gated channel subfamily A member 5; plus strand). Cytogenetic location: 12p13.32.
Variant type: single nucleotide variant.
Coding change: c.1150G>A on transcript NM_002234.4 (MANE Select); coding-DNA position 1150, G replaced by A.
Protein change: p.Gly384Arg; replaces glycine 384 with arginine.
Molecular consequence: missense variant.
Genome position (GRCh38, 1-based): chr12:5,045,297, G>A. VCF-style: chr12-5045297-G-A. GRCh37 (hg19) VCF-style: chr12-5154463-G-A.
Other names: short protein forms G384R.
Identifiers: ClinVar variation 191572 (VCV000191572.13), dbSNP rs76708779, ClinGen allele CA199949.